The following is an entry in ClinVar:

NM_000548.5(TSC2):c.2560C>G (p.Pro854Ala)

Gene: TSC2 (TSC complex subunit 2; plus strand). Cytogenetic location: 16p13.3.
Variant type: single nucleotide variant.
Coding change: c.2560C>G on transcript NM_000548.5 (MANE Select); coding-DNA position 2560, C replaced by G.
Protein change: p.Pro854Ala; replaces proline 854 with alanine.
Molecular consequence: missense variant.
Genome position (GRCh38, 1-based): chr16:2,075,813, C>G. VCF-style: chr16-2075813-C-G. GRCh37 (hg19) VCF-style: chr16-2125814-C-G.
Other names: c.2560C>G, p.Pro854Ala (NM_001077183.3, NM_001114382.3, NM_001363528.2 and 3 more transcripts); c.2449C>G, p.Pro817Ala (NM_001318827.2); c.2413C>G, p.Pro805Ala (NM_001318829.2); c.1960C>G, p.Pro654Ala (NM_001318831.2); c.2593C>G, p.Pro865Ala (NM_001318832.2); short protein forms P854A, P805A, P865A, P654A, P817A.
Identifiers: ClinVar variation 406087 (VCV000406087.10), dbSNP rs1060500959, ClinGen allele CA16614689.
Genomic context (GRCh38, chr16:2,075,813, plus strand): 5'-CTGCACGGGACCCCGGCTCCCCTGACCACCCTCTCCATTACCGCAGCTCTGGCCAGGCTG[C>G]CGCACCTCTACAGGAACTTTGCCGCGGAGCAGTATGCCAGTGTGTTCGCCATCTCCCTGC-3'
Protein context (NP_000539.2, residues 844-864): LEFLSTLARL[Pro854Ala]HLYRNFAAEQ

ClinVar aggregate classification (germline): Uncertain significance (1 of 4 stars; one submission).

Conditions:
Tuberous sclerosis 2 (TSC2). Identifiers: Orphanet 805, MedGen C1860707, MONDO:0013199, OMIM 613254.

Submission:

Labcorp Genetics (formerly Invitae), Labcorp
Classification: Uncertain significance for Tuberous sclerosis 2. Last evaluated: 2019-10-21. Review status: criteria provided, single submitter. Criteria: Invitae Variant Classification Sherloc (09022015). Collection method: clinical testing. Allele origin: germline.
Comment: In summary, the available evidence is currently insufficient to determine the role of this variant in disease. Therefore, it has been classified as a Variant of Uncertain Significance. This sequence change replaces proline with alanine at codon 854 of the TSC2 protein (p.Pro854Ala). The proline residue is highly conserved and there is a small physicochemical difference between proline and alanine. This variant is not present in population databases (ExAC no frequency). This variant has not been reported in the literature in individuals with TSC2-related conditions. ClinVar contains an entry for this variant (Variation ID: 406087). Algorithms developed to predict the effect of missense changes on protein structure and function are either unavailable or do not agree on the potential impact of this missense change (SIFT: "Tolerated"; PolyPhen-2: "Possibly Damaging"; Align-GVGD: "Class C0").